The following is an entry in ClinVar:

NM_001005242.3(PKP2):c.1388G>A (p.Trp463Ter)

Gene: PKP2 (plakophilin 2; minus strand). Cytogenetic location: 12p11.21.
Variant type: single nucleotide variant.
Coding change: c.1388G>A on transcript NM_001005242.3 (MANE Select); coding-DNA position 1388, G replaced by A.
Protein change: p.Trp463Ter; replaces tryptophan 463 with a stop codon.
Molecular consequence: nonsense.
Genome position (GRCh38, 1-based): chr12:32,841,196, C>T on the plus strand (G>A on the coding strand, the complement: PKP2 is on the minus strand). VCF-style: chr12-32841196-C-T. GRCh37 (hg19) VCF-style: chr12-32994130-C-T.
Other names: c.1520G>A, p.Trp507Ter (NM_004572.4); short protein forms W463*, W507*.
Identifiers: ClinVar variation 1187686 (VCV001187686.8), dbSNP rs2137831087, ClinGen allele CA384368158.

ClinVar aggregate classification (germline): Pathogenic/Likely pathogenic. Review status: criteria provided, multiple submitters, no conflicts (2 of 4 stars). 3 submissions from 3 submitters: Pathogenic (2); Likely pathogenic (1). Last evaluated 2025-09-10.

Conditions:
Arrhythmogenic right ventricular dysplasia 9 (ARVD9). Also called: ARRHYTHMOGENIC RIGHT VENTRICULAR DYSPLASIA, FAMILIAL, 9; Arrhythmogenic Right Ventricular Dysplasia/Cardiomyopathy 9. Identifiers: MedGen C1836906, MONDO:0012180, OMIM 609040.

Allele frequency attached by ClinVar (database versions not stated): gnomAD exomes below 0.00001.
gnomAD v4.1: 1 of 1,612,818 alleles (0.000062%); highest among the groups gnomAD compares: Non-Finnish European, 0.000085%; no homozygotes.

Submissions (3):

Genomic Medicine Center of Excellence, King Faisal Specialist Hospital and Research Centre
Classification: Pathogenic for Arrhythmogenic right ventricular dysplasia 9. Last evaluated: 2025-09-10. Review status: criteria provided, single submitter. Criteria: ACMG Guidelines, 2015. Collection method: clinical testing. Allele origin: germline.

Labcorp Genetics (formerly Invitae), Labcorp
Classification: Pathogenic for Arrhythmogenic right ventricular dysplasia 9. Last evaluated: 2024-05-15. Review status: criteria provided, single submitter. Criteria: Invitae Variant Classification Sherloc (09022015). Collection method: clinical testing. Allele origin: germline.
Comment: This sequence change creates a premature translational stop signal (p.Trp507*) in the PKP2 gene. It is expected to result in an absent or disrupted protein product. Loss-of-function variants in PKP2 are known to be pathogenic (PMID: 15489853, 17041889, 23911551). This variant is not present in population databases (gnomAD no frequency). This variant has not been reported in the literature in individuals affected with PKP2-related conditions. ClinVar contains an entry for this variant (Variation ID: 1187686). For these reasons, this variant has been classified as Pathogenic.

GeneDx
Classification: Likely pathogenic. Last evaluated: 2023-10-01. Review status: criteria provided, single submitter. Criteria: GeneDx Variant Classification Process June 2021. Collection method: clinical testing. Allele origin: germline. Affected: yes.
Comment: Nonsense variant predicted to result in protein truncation or nonsense mediated decay in a gene for which loss of function is a known mechanism of disease; Not observed at significant frequency in large population cohorts (gnomAD); Has not been previously published as pathogenic or benign to our knowledge

Literature cited by the submitters: PubMed 15489853 (cited by Labcorp Genetics (formerly Invitae), Labcorp); PubMed 17041889 (cited by Labcorp Genetics (formerly Invitae), Labcorp); PubMed 23911551 (cited by Labcorp Genetics (formerly Invitae), Labcorp).